The following is an entry in ClinVar:

NM_144658.4(DOCK11):c.2114A>C (p.Asn705Thr)

Gene: DOCK11 (dedicator of cytokinesis 11; plus strand). Cytogenetic location: Xq24.
Variant type: single nucleotide variant.
Coding change: c.2114A>C on transcript NM_144658.4 (MANE Select); coding-DNA position 2114, A replaced by C.
Protein change: p.Asn705Thr; replaces asparagine 705 with threonine.
Molecular consequence: missense variant.
Genome position (GRCh38, 1-based): chrX:118,590,277, A>C. VCF-style: chrX-118590277-A-C. GRCh37 (hg19) VCF-style: chrX-117724240-A-C.
Other names: short protein forms N705T.
Identifiers: ClinVar variation 4991562 (VCV004991562.1).
Genomic context (GRCh38, chrX:118,590,277, plus strand): 5'-ATGGAAAACCTGCAGGGTCTGTTTTTACCACAAATGCTTATGCTGTTGTCTCGCATCACA[A>C]CCAAAATCCAGAGTTCTATGATGAGGTAAAAATATATTATCCTGACATTTCTAAAACACA-3'
Protein context (NP_653259.3, residues 695-715): TNAYAVVSHH[Asn705Thr]QNPEFYDEIK

ClinVar aggregate classification (germline): Uncertain significance (1 of 4 stars; one submission).

Conditions:
DOCK11-related disorder. Also called: DOCK11-related condition.

gnomAD v4.1: 1 of 1,207,577 alleles (0.000083%); highest among the groups gnomAD compares: Non-Finnish European, 0.00011%; no homozygotes.

Submission:

PreventionGenetics, part of Exact Sciences
Classification: Uncertain significance for DOCK11-related condition. Last evaluated: 2025-09-30. Review status: criteria provided, single submitter. Criteria: ACMG Guidelines, 2015. Collection method: clinical testing. Allele origin: germline.
Comment: The DOCK11 c.2114A>C variant is predicted to result in the amino acid substitution p.Asn705Thr. To our knowledge, this variant has not been reported in the literature or in a large population database (gnomAD), indicating this variant is rare. At this time, the clinical significance of this variant is uncertain due to the absence of conclusive functional and genetic evidence.